The following is an entry in ClinVar:

NM_000088.4(COL1A1):c.1848_1851dup (p.Ala618fs)

Gene: COL1A1 (collagen type I alpha 1 chain; minus strand). Cytogenetic location: 17q21.33.
Variant type: Duplication.
Coding change: c.1848_1851dup on transcript NM_000088.4 (MANE Select); coding-DNA positions 1848 to 1851, 4 bases duplicated (TGGA; older notation c.1848_1851dupTGGA).
Protein change: p.Ala618fs; shifts the reading frame from alanine 618.
Molecular consequence: frameshift variant.
Genome position (GRCh38, 1-based): chr17:50,192,821-50,192,824, TCCA duplicated on the plus strand (TGGA on the coding strand, the reverse complement: COL1A1 is on the minus strand). VCF-style (leftmost placement, unchanged base first): chr17-50192820-C-CTCCA. GRCh37 (hg19) VCF-style: chr17-48270181-C-CTCCA.
Other names: short protein forms A618fs.
Identifiers: ClinVar variation 4733143 (VCV004733143.1).

ClinVar aggregate classification (germline): Pathogenic (1 of 4 stars; one submission).

Conditions:
Osteogenesis imperfecta type I (OI1). Also called: Osteogenesis imperfecta type 1; Lobstein's Disease; OI, TYPE I; OSTEOGENESIS IMPERFECTA TARDA; OSTEOGENESIS IMPERFECTA WITH BLUE SCLERAE; Lobstein disease. Identifiers: Orphanet 216796, Orphanet 666, MedGen C0023931, MONDO:0008146, OMIM 166200. Disease mechanism: loss of function.

Submission:

Labcorp Genetics (formerly Invitae), Labcorp
Classification: Pathogenic for Osteogenesis imperfecta type I. Last evaluated: 2025-12-21. Review status: criteria provided, single submitter. Criteria: Invitae Variant Classification Sherloc (09022015). Collection method: clinical testing. Allele origin: germline.
Comment: This sequence change creates a premature translational stop signal (p.Ala618Trpfs*17) in the COL1A1 gene. It is expected to result in an absent or disrupted protein product. Loss-of-function variants in COL1A1 are known to be pathogenic (PMID: 7942841, 9295084, 9443882). This variant is not present in population databases (gnomAD no frequency). This variant has not been reported in the literature in individuals affected with COL1A1-related conditions. For these reasons, this variant has been classified as Pathogenic.

Literature cited by the submitters: PubMed 7942841; PubMed 9295084; PubMed 9443882.